The following is an entry in ClinVar:

NM_000810.4(GABRA5):c.615G>C (p.Trp205Cys)

Gene: GABRA5 (gamma-aminobutyric acid type A receptor subunit alpha5; plus strand). Cytogenetic location: 15q12.
Variant type: single nucleotide variant.
Coding change: c.615G>C on transcript NM_000810.4 (MANE Select); coding-DNA position 615, G replaced by C.
Protein change: p.Trp205Cys; replaces tryptophan 205 with cysteine.
Molecular consequence: missense variant.
Genome position (GRCh38, 1-based): chr15:26,937,219, G>C. VCF-style: chr15-26937219-G-C. GRCh37 (hg19) VCF-style: chr15-27182366-G-C.
Other names: c.615G>C, p.Trp205Cys (NM_001165037.2); short protein forms W205C.
Identifiers: ClinVar variation 4879411 (VCV004879411.1).
Genomic context (GRCh38, chr15:26,937,219, plus strand): 5'-TCACTTTCTGCCCCCTCCTCATACAGATGCGTACCCTAATTCTGAAGTCGTTTACGTCTG[G>C]ACCAACGGCTCCACCAAGTCGGTGGTGGTGGCGGAAGATGGCTCCAGACTGAACCAGTAC-3'
Protein context (NP_000801.1, residues 195-215): AYPNSEVVYV[Trp205Cys]TNGSTKSVVV

ClinVar aggregate classification (germline): Uncertain significance (1 of 4 stars; one submission).

Conditions:
Developmental and epileptic encephalopathy, 79. Also called: EPILEPTIC ENCEPHALOPATHY, EARLY INFANTILE, 79. Identifiers: MedGen C5231410, MONDO:0032813, OMIM 618559.

Submission:

Institute of Human Genetics, University of Leipzig Medical Center
Classification: Uncertain significance for Developmental and epileptic encephalopathy, 79. Last evaluated: 2026-07-15. Review status: criteria provided, single submitter. Criteria: ACMG Guidelines, 2015. Collection method: clinical testing. Allele origin: unknown. Inheritance: Autosomal dominant inheritance. Affected: yes.
Comment: Criteria applied: PM2,PP2,PP3